The following is an entry in ClinVar:

ClinVar aggregate classification (germline): Pathogenic (1 of 4 stars; one submission).

Conditions:
Hereditary cancer-predisposing syndrome. Also called: Neoplastic Syndromes, Hereditary; Hereditary neoplastic syndrome; Tumor predisposition; Hereditary Cancer Syndrome. Identifiers: Orphanet 140162, MedGen C0027672, MeSH D009386, MONDO:0015356.

Submission:

Ambry Genetics
Classification: Pathogenic for Hereditary cancer-predisposing syndrome. Last evaluated: 2026-01-26. Review status: criteria provided, single submitter. Criteria: Ambry Variant Classification Scheme 2023. Collection method: clinical testing. Allele origin: germline.
Comment: The p.S51* pathogenic mutation (also known as c.152C>A), located in coding exon 1 of the BARD1 gene, results from a C to A substitution at nucleotide position 152. This changes the amino acid from a serine to a stop codon within coding exon 1. This variant is considered to be rare based on population cohorts in the Genome Aggregation Database (gnomAD). This alteration is expected to result in loss of function by premature protein truncation or nonsense-mediated mRNA decay. As such, this alteration is interpreted as a disease-causing mutation.

NM_000465.4(BARD1):c.152C>A (p.Ser51Ter)

Gene: BARD1 (BRCA1 associated RING domain 1; minus strand). Cytogenetic location: 2q35.
Variant type: single nucleotide variant.
Coding change: c.152C>A on transcript NM_000465.4 (MANE Select); coding-DNA position 152, C replaced by A.
Protein change: p.Ser51Ter; replaces serine 51 with a stop codon.
Molecular consequence: nonsense. On other transcripts: non-coding transcript variant (3).
Genome position (GRCh38, 1-based): chr2:214,809,418, G>T on the plus strand (C>A on the coding strand, the complement: BARD1 is on the minus strand). VCF-style: chr2-214809418-G-T. GRCh37 (hg19) VCF-style: chr2-215674142-G-T.
Other names: c.152C>A, p.Ser51Ter (NM_001282543.2, NM_001282545.2, NM_001282548.2 and 1 more transcripts); short protein forms S51*.
Identifiers: ClinVar variation 4824124 (VCV004824124.1).